The following is an entry in ClinVar:

NM_001035.3(RYR2):c.10935+17_10935+18delinsTT

Gene: RYR2 (ryanodine receptor 2; plus strand). Cytogenetic location: 1q43.
Variant type: Indel.
Coding change: c.10935+17_10935+18delinsTT on transcript NM_001035.3 (MANE Select); bases 17 to 18 of the intron after coding-DNA position 10935, GC replaced by TT.
Molecular consequence: intron variant.
Genome position (GRCh38, 1-based): chr1:237,730,373-237,730,374, GC replaced by TT. VCF-style: chr1-237730373-GC-TT. GRCh37 (hg19) VCF-style: chr1-237893673-GC-TT.
Identifiers: ClinVar variation 933203 (VCV000933203.10), dbSNP rs1690568496, ClinGen allele CA1139656689.
Genomic context (GRCh38, chr1:237,730,373, plus strand): 5'-CAGAAGAACATTACTTTGAAGATAAACTGATAGAAGATTTAGCAGTATGTTTTTAGTGGG[GC>TT]TCTAAGATGAAAGAGGGTCTAGGCTTGGTGCAGCAATGTTGGCGTGAGCAGTCATTATAT-3'

ClinVar aggregate classification (germline): Benign/Likely benign. Review status: criteria provided, multiple submitters, no conflicts (2 of 4 stars). 2 submissions from 2 submitters: Benign (1); Likely benign (1). Last evaluated 2026-01-31.

Conditions:
Catecholaminergic polymorphic ventricular tachycardia 1. Also called: VENTRICULAR TACHYCARDIA, CATECHOLAMINERGIC POLYMORPHIC, 1, WITH OR WITHOUT ATRIAL DYSFUNCTION AND/OR DILATED CARDIOMYOPATHY; VENTRICULAR TACHYCARDIA, STRESS-INDUCED POLYMORPHIC 1; RYR2-Related Catecholaminergic Polymorphic Ventricular Tachycardia. Identifiers: Orphanet 3286, MedGen C1631597, MONDO:0011484, OMIM 604772.

Submissions (2):

Labcorp Genetics (formerly Invitae), Labcorp
Classification: Likely benign for Catecholaminergic polymorphic ventricular tachycardia 1. Last evaluated: 2026-01-31. Review status: criteria provided, single submitter. Criteria: Invitae Variant Classification Sherloc (09022015). Collection method: clinical testing. Allele origin: germline.

Women's Health and Genetics/Laboratory Corporation of America, LabCorp
Classification: Benign. Last evaluated: 2020-06-29. Review status: criteria provided, single submitter. Criteria: LabCorp Variant Classification Summary - May 2015. Collection method: clinical testing. Allele origin: germline.
Comment: Variant summary: RYR2 c.10935+17_10935+18delinsTT alters a nucleotide located close to a canonical splice site and therefore could affect mRNA splicing, leading to a significantly altered protein sequence. 4/4 computational tools predict no significant impact on normal splicing. However, these predictions have yet to be confirmed by functional studies. The variant allele was found at a frequency of 0.00042 in 276722 control chromosomes. The observed variant frequency is approximately 17 fold of the estimated maximal expected allele frequency for a pathogenic variant in RYR2 causing Cardiomyopathy phenotype (2.5e-05), strongly suggesting that the variant is benign. To our knowledge, no occurrence of c.10935+17_10935+18delinsTT in individuals affected with Cardiomyopathy and no experimental evidence demonstrating its impact on protein function have been reported. No clinical diagnostic laboratories have submitted clinical-significance assessments for this variant to ClinVar after 2014. Based on the evidence outlined above, the variant was classified as benign.